The following is an entry in ClinVar:

ClinVar aggregate classification (germline): Uncertain significance (1 of 4 stars; one submission).

Submission:

GeneDx
Classification: Uncertain significance. Last evaluated: 2023-07-13. Review status: criteria provided, single submitter. Criteria: GeneDx Variant Classification Process June 2021. Collection method: clinical testing. Allele origin: germline. Affected: yes.
Comment: Not observed at significant frequency in large population cohorts (gnomAD); In silico analysis supports a deleterious effect on splicing; Has not been previously published as pathogenic or benign to our knowledge; Variants in candidate genes are classified as variants of uncertain significance in accordance with ACMG guidelines (Richards et al., 2015)

NM_001146156.2(GSK3B):c.367-11A>G

Gene: GSK3B (glycogen synthase kinase 3 beta; minus strand). Cytogenetic location: 3q13.33.
Variant type: single nucleotide variant.
Coding change: c.367-11A>G on transcript NM_001146156.2 (MANE Select); 11 bases into the intron before coding-DNA position 367, A replaced by G.
Molecular consequence: intron variant.
Genome position (GRCh38, 1-based): chr3:119,923,494, T>C on the plus strand (A>G on the coding strand, the complement: GSK3B is on the minus strand). VCF-style: chr3-119923494-T-C. GRCh37 (hg19) VCF-style: chr3-119642341-T-C.
Other names: c.367-11A>G (NM_001354596.2, NM_002093.4).
Identifiers: ClinVar variation 3390638 (VCV003390638.1).